The following is an entry in ClinVar:

ClinVar aggregate classification (germline): Uncertain significance (1 of 4 stars; one submission).

Conditions:
Familial hemophagocytic lymphohistiocytosis 2 (FHL2). Also called: PRF1-Related Familial Hemophagocytic Lymphohistiocytosis (PRF1-fHLH). Identifiers: Orphanet 540, MedGen C1863727, MONDO:0011337, OMIM 603553.

Submissions (2):

Labcorp Genetics (formerly Invitae), Labcorp
Classification: Uncertain significance for Familial hemophagocytic lymphohistiocytosis 2. Last evaluated: 2025-03-01. Review status: criteria provided, single submitter. Criteria: Invitae Variant Classification Sherloc (09022015). Collection method: clinical testing. Allele origin: germline.
Comment: This sequence change replaces glycine, which is neutral and non-polar, with valine, which is neutral and non-polar, at codon 544 of the PRF1 protein (p.Gly544Val). This variant is not present in population databases (gnomAD no frequency). This variant has not been reported in the literature in individuals affected with PRF1-related conditions. Invitae Evidence Modeling of protein sequence and biophysical properties (such as structural, functional, and spatial information, amino acid conservation, physicochemical variation, residue mobility, and thermodynamic stability) indicates that this missense variant is expected to disrupt PRF1 protein function with a positive predictive value of 95%. In summary, the available evidence is currently insufficient to determine the role of this variant in disease. Therefore, it has been classified as a Variant of Uncertain Significance.

Dr. Peter K. Rogan Lab, Western University
No classification provided (evidence only). Condition: Thymoma. Review status: no classification provided. Collection method: in vitro. Allele origin: not applicable. Functional consequence: retained intron. Not counted in ClinVar's aggregate classification.

NM_001083116.3(PRF1):c.1631G>T (p.Gly544Val)

Gene: PRF1 (perforin 1; minus strand). Cytogenetic location: 10q22.1.
Variant type: single nucleotide variant.
Coding change: c.1631G>T on transcript NM_001083116.3 (MANE Select); coding-DNA position 1631, G replaced by T.
Protein change: p.Gly544Val; replaces glycine 544 with valine.
Molecular consequence: missense variant.
Genome position (GRCh38, 1-based): chr10:70,598,090, C>A on the plus strand (G>T on the coding strand, the complement: PRF1 is on the minus strand). VCF-style: chr10-70598090-C-A. GRCh37 (hg19) VCF-style: chr10-72357846-C-A.
Other names: NC_000010.10:g.72357846C>A; c.1631G>T, p.Gly544Val (NM_005041.6); short protein forms G544V.
Identifiers: ClinVar variation 4364600 (VCV004364600.2).